The following is an entry in ClinVar:

NM_015030.2(FRYL):c.5864G>A (p.Arg1955Gln)

Gene: FRYL (FRY like transcription coactivator; minus strand). Cytogenetic location: 4p11.
Variant type: single nucleotide variant.
Coding change: c.5864G>A on transcript NM_015030.2 (MANE Select); coding-DNA position 5864, G replaced by A.
Protein change: p.Arg1955Gln; replaces arginine 1955 with glutamine.
Molecular consequence: missense variant.
Genome position (GRCh38, 1-based): chr4:48,540,784, C>T on the plus strand (G>A on the coding strand, the complement: FRYL is on the minus strand). VCF-style: chr4-48540784-C-T. GRCh37 (hg19) VCF-style: chr4-48542801-C-T.
Other names: short protein forms R1955Q.
Identifiers: ClinVar variation 2359870 (VCV002359870.4), dbSNP rs375162329, ClinGen allele CA2914441.

ClinVar aggregate classification (germline): Conflicting classifications of pathogenicity. Review status: criteria provided, conflicting classifications (1 of 4 stars). 2 submissions from 2 submitters: Uncertain significance (1); Likely benign (1). Last evaluated 2026-05-01.

Allele frequency attached by ClinVar (database versions not stated): ExAC 0.00008; ESP Exome Variant Server 0.00008; TOPMed 0.00011.
gnomAD v4.1: 177 of 1,613,904 alleles (0.011%); highest among the groups gnomAD compares: Admixed American, 0.058%; no homozygotes.

Submissions (2):

CeGaT Center for Human Genetics Tuebingen
Classification: Likely benign. Last evaluated: 2026-05-01. Review status: criteria provided, single submitter. Criteria: CeGaT Center For Human Genetics Tuebingen Variant Classification Criteria Version 2. Collection method: clinical testing. Allele origin: germline. Affected: yes. Observed: 1 variant allele.
Comment: FRYL: BP4

Ambry Genetics
Classification: Uncertain significance. Last evaluated: 2022-07-26. Review status: criteria provided, single submitter. Criteria: Ambry Variant Classification Scheme 2023. Collection method: clinical testing. Allele origin: germline.